The following is an entry in ClinVar:

NM_007294.4(BRCA1):c.5153-6C>T

Gene: BRCA1 (BRCA1 DNA repair associated; minus strand). Cytogenetic location: 17q21.31.
Variant type: single nucleotide variant.
Coding change: c.5153-6C>T on transcript NM_007294.4 (MANE Select); 6 bases into the intron before coding-DNA position 5153, C replaced by T.
Molecular consequence: intron variant.
Genome position (GRCh38, 1-based): chr17:43,063,379, G>A on the plus strand (C>T on the coding strand, the complement: BRCA1 is on the minus strand). VCF-style: chr17-43063379-G-A. GRCh37 (hg19) VCF-style: chr17-41215396-G-A.
Other names: c.5006-6C>T (NM_001407846.1, NM_001407850.1, NM_001407844.1 and 12 more transcripts); c.5012-6C>T (NM_001407726.1, NM_001407730.1, NM_001407692.1 and 13 more transcripts); c.1313-6C>T (NM_001408513.1); c.1577-6C>T (NM_001408503.1, NM_001408502.1, NM_001408504.1); c.5009-6C>T (NM_001407943.1, NM_001407748.1, NM_001407752.1 and 21 more transcripts); c.1580-6C>T (NM_001408500.1, NM_001408497.1, NM_001408496.1 and 3 more transcripts); c.4889-6C>T (NM_001407921.1, NM_001407926.1, NM_001407924.1 and 4 more transcripts); c.1700-6C>T (NM_001408466.1, NM_001408460.1, NM_001408465.1 and 7 more transcripts); and 72 more.
Identifiers: ClinVar variation 265051 (VCV000265051.16), dbSNP rs80358129, ClinGen allele CA10588654.
Genomic context (GRCh38, chr17:43,063,379, plus strand): 5'-CATCAAGTACTTACCTCATTCAGCATTTTTCTTTCTTTAATAGACTGGGTCACCCCTAAA[G>A]AGATCATAGAAAAGACAGGTTACATACAGCAGAAGAACGTGCTCTTTTCACGGAGATAGA-3'

ClinVar aggregate classification (germline): Likely benign. Review status: criteria provided, multiple submitters, no conflicts (2 of 4 stars). 3 submissions from 3 submitters: Likely benign (3). Last evaluated 2024-10-28.

Conditions:
Hereditary breast ovarian cancer syndrome. Also called: Hereditary breast and ovarian cancer syndrome (HBOC); Breast and ovarian cancer; Hereditary breast and ovarian cancer syndrome; Hereditary breast and ovarian cancer; BRCA1- and BRCA2-Associated Hereditary Breast and Ovarian Cancer; Hereditary breast and/or ovarian cancer syndrome. Identifiers: Orphanet 145, MedGen C0677776, MeSH D061325, MONDO:0003582. Disease mechanism: loss of function.
Breast-ovarian cancer, familial, susceptibility to, 1 (BROVCA1). Also called: BRCA1 Hereditary Breast and Ovarian Cancer; OVARIAN CANCER, SUSCEPTIBILITY TO. Identifiers: Orphanet 145, MedGen C2676676, MONDO:0011450, OMIM 604370. Disease mechanism: loss of function.

Allele frequency attached by ClinVar (database versions not stated): TOPMed 0.00001.
gnomAD v4.1: 8 of 1,610,316 alleles (0.0005%); highest among the groups gnomAD compares: Non-Finnish European, 0.00068%; no homozygotes.

Submissions (4):

Labcorp Genetics (formerly Invitae), Labcorp
Classification: Likely benign for Hereditary breast ovarian cancer syndrome. Last evaluated: 2024-10-28. Review status: criteria provided, single submitter. Criteria: Invitae Variant Classification Sherloc (09022015). Collection method: clinical testing. Allele origin: germline.

All of Us Research Program, National Institutes of Health
Classification: Likely benign for Breast-ovarian cancer, familial, susceptibility to, 1. Last evaluated: 2023-09-17. Review status: criteria provided, single submitter. Criteria: ACMG Guidelines, 2015. Collection method: clinical testing. Allele origin: germline. Inheritance: Autosomal dominant inheritance. Observed: 1 variant allele, 1 heterozygote.
Comment: This study involves interpretation of variants in research participants for the purpose of population health screening. Participant phenotype was not available at the time of variant classification. Additional details can be found in publication PMID: 35346344, PMCID: PMC8962531

GeneDx
Classification: Likely benign. Last evaluated: 2018-09-21. Review status: criteria provided, single submitter. Criteria: GeneDx Variant Classification Process June 2021. Collection method: clinical testing. Allele origin: germline. Affected: yes.
Comment: This variant is associated with the following publications: (PMID: 25759019, 30209399)

Brotman Baty Institute, University of Washington
No classification provided (evidence only). Condition: Breast-ovarian cancer, familial 1. Review status: no classification provided. Collection method: in vitro. Allele origin: not applicable. Functional consequence: functionally_normal. Not counted in ClinVar's aggregate classification.
ClinVar note: "not provided" was previously submitted as the classification for the variant. However, the classification appeared to be based only on an observation of functional data so it was converted to no classification on 2025-07-30.